The following is an entry in ClinVar:

NM_000321.3(RB1):c.1591G>A (p.Val531Met)

Gene: RB1 (RB transcriptional corepressor 1; plus strand). Cytogenetic location: 13q14.2.
Variant type: single nucleotide variant.
Coding change: c.1591G>A on transcript NM_000321.3 (MANE Select); coding-DNA position 1591, G replaced by A.
Protein change: p.Val531Met; replaces valine 531 with methionine.
Molecular consequence: missense variant.
Genome position (GRCh38, 1-based): chr13:48,381,339, G>A. VCF-style: chr13-48381339-G-A. GRCh37 (hg19) VCF-style: chr13-48955475-G-A.
Other names: c.1591G>A, p.Val531Met (NM_001407165.1, NM_001407166.1); short protein forms V531M.
Identifiers: ClinVar variation 3787300 (VCV003787300.2).

ClinVar aggregate classification (germline): Uncertain significance (1 of 4 stars; one submission).

Conditions:
Hereditary cancer-predisposing syndrome. Also called: Hereditary Cancer Syndrome; Hereditary neoplastic syndrome; Neoplastic Syndromes, Hereditary; Tumor predisposition. Identifiers: Orphanet 140162, MedGen C0027672, MeSH D009386, MONDO:0015356.

gnomAD v4.1: 1 of 1,611,740 alleles (0.000062%); highest among the groups gnomAD compares: African/African-American, 0.0013%; no homozygotes.

Submission:

Ambry Genetics
Classification: Uncertain significance for Hereditary cancer-predisposing syndrome. Last evaluated: 2026-07-08. Review status: criteria provided, single submitter. Criteria: Ambry Variant Classification Scheme 2023. Collection method: clinical testing. Allele origin: germline.
Comment: The p.V531M variant (also known as c.1591G>A), located in coding exon 17 of the RB1 gene, results from a G to A substitution at nucleotide position 1591. The valine at codon 531 is replaced by methionine, an amino acid with highly similar properties. This amino acid position is highly conserved in available vertebrate species. In addition, this alteration is predicted to be deleterious by in silico analysis. Based on the available evidence, the clinical significance of this variant remains unclear.